The following is an entry in ClinVar:

NM_000236.3(LIPC):c.138T>A (p.His46Gln)

Gene: LIPC (lipase C, hepatic type; plus strand). Cytogenetic location: 15q21.3.
Variant type: single nucleotide variant.
Coding change: c.138T>A on transcript NM_000236.3 (MANE Select); coding-DNA position 138, T replaced by A.
Protein change: p.His46Gln; replaces histidine 46 with glutamine.
Molecular consequence: missense variant.
Genome position (GRCh38, 1-based): chr15:58,538,382, T>A. VCF-style: chr15-58538382-T-A. GRCh37 (hg19) VCF-style: chr15-58830581-T-A.
Other names: short protein forms H46Q.
Identifiers: ClinVar variation 3704171 (VCV003704171.2).

ClinVar aggregate classification (germline): Uncertain significance (1 of 4 stars; one submission).

Submission:

Labcorp Genetics (formerly Invitae), Labcorp
Classification: Uncertain significance. Last evaluated: 2024-09-11. Review status: criteria provided, single submitter. Criteria: Invitae Variant Classification Sherloc (09022015). Collection method: clinical testing. Allele origin: germline.
Comment: This sequence change replaces histidine, which is basic and polar, with glutamine, which is neutral and polar, at codon 46 of the LIPC protein (p.His46Gln). This variant is not present in population databases (gnomAD no frequency). This variant has not been reported in the literature in individuals affected with LIPC-related conditions. Invitae Evidence Modeling of protein sequence and biophysical properties (such as structural, functional, and spatial information, amino acid conservation, physicochemical variation, residue mobility, and thermodynamic stability) indicates that this missense variant is not expected to disrupt LIPC protein function with a negative predictive value of 80%. In summary, the available evidence is currently insufficient to determine the role of this variant in disease. Therefore, it has been classified as a Variant of Uncertain Significance.